The following is an entry in ClinVar:

NM_152701.5(ABCA13):c.12423G>A (p.Leu4141=)

Gene: ABCA13 (ATP binding cassette subfamily A member 13; plus strand). Cytogenetic location: 7p12.3.
Variant type: single nucleotide variant.
Coding change: c.12423G>A on transcript NM_152701.5 (MANE Select); coding-DNA position 12423, G replaced by A.
Protein change: p.Leu4141=; no amino-acid change (leucine 4141 retained).
Molecular consequence: synonymous variant.
Genome position (GRCh38, 1-based): chr7:48,412,547, G>A. VCF-style: chr7-48412547-G-A. GRCh37 (hg19) VCF-style: chr7-48452144-G-A.
Identifiers: ClinVar variation 4083801 (VCV004083801.8).

ClinVar aggregate classification (germline): Likely benign (1 of 4 stars; one submission).

gnomAD v4.1: 986 of 1,612,808 alleles (0.061%); highest among the groups gnomAD compares: African/African-American, 0.48%; 4 homozygotes.

Submission:

CeGaT Center for Human Genetics Tuebingen
Classification: Likely benign. Last evaluated: 2025-06-01. Review status: criteria provided, single submitter. Criteria: CeGaT Center For Human Genetics Tuebingen Variant Classification Criteria Version 2. Collection method: clinical testing. Allele origin: germline. Affected: yes. Observed: 1 variant allele.
Comment: ABCA13: BP4, BP7, BS1